The following is an entry in ClinVar:

NM_138576.4(BCL11B):c.1064C>T (p.Ala355Val)

Gene: BCL11B (BCL11 transcription factor B; minus strand). Cytogenetic location: 14q32.2.
Variant type: single nucleotide variant.
Coding change: c.1064C>T on transcript NM_138576.4 (MANE Select); coding-DNA position 1064, C replaced by T.
Protein change: p.Ala355Val; replaces alanine 355 with valine.
Molecular consequence: missense variant.
Genome position (GRCh38, 1-based): chr14:99,175,772, G>A on the plus strand (C>T on the coding strand, the complement: BCL11B is on the minus strand). VCF-style: chr14-99175772-G-A. GRCh37 (hg19) VCF-style: chr14-99642109-G-A.
Other names: c.1061C>T, p.Ala354Val (NM_001282237.2); c.848C>T, p.Ala283Val (NM_001282238.2); c.851C>T, p.Ala284Val (NM_022898.3); short protein forms A284V, A283V, A354V, A355V.
Identifiers: ClinVar variation 3001230 (VCV003001230.3), dbSNP rs759690552, ClinGen allele CA390936185.

ClinVar aggregate classification (germline): Uncertain significance (1 of 4 stars; one submission).

gnomAD v4.1: 2 of 1,470,258 alleles (0.00014%); highest among the groups gnomAD compares: East Asian, 0.0051%; no homozygotes.

Submission:

Labcorp Genetics (formerly Invitae), Labcorp
Classification: Uncertain significance. Last evaluated: 2023-06-03. Review status: criteria provided, single submitter. Criteria: Invitae Variant Classification Sherloc (09022015). Collection method: clinical testing. Allele origin: germline.
Comment: Advanced modeling of protein sequence and biophysical properties (such as structural, functional, and spatial information, amino acid conservation, physicochemical variation, residue mobility, and thermodynamic stability) performed at Invitae indicates that this missense variant is not expected to disrupt BCL11B protein function. In summary, the available evidence is currently insufficient to determine the role of this variant in disease. Therefore, it has been classified as a Variant of Uncertain Significance. This variant has not been reported in the literature in individuals affected with BCL11B-related conditions. This variant is not present in population databases (gnomAD no frequency). This sequence change replaces alanine, which is neutral and non-polar, with valine, which is neutral and non-polar, at codon 355 of the BCL11B protein (p.Ala355Val).